The following is an entry in ClinVar:

ClinVar aggregate classification (germline): Uncertain significance (1 of 4 stars; one submission).

Conditions:
ANKRD1-related dilated cardiomyopathy. Identifiers: MedGen CN119551.

Allele frequency attached by ClinVar (database versions not stated): TOPMed below 0.00001.

Submission:

Labcorp Genetics (formerly Invitae), Labcorp
Classification: Uncertain significance for ANKRD1-related dilated cardiomyopathy. Last evaluated: 2022-02-22. Review status: criteria provided, single submitter. Criteria: Invitae Variant Classification Sherloc (09022015). Collection method: clinical testing. Allele origin: germline.
Comment: In summary, the available evidence is currently insufficient to determine the role of this variant in disease. Therefore, it has been classified as a Variant of Uncertain Significance. Algorithms developed to predict the effect of missense changes on protein structure and function are either unavailable or do not agree on the potential impact of this missense change (SIFT: "Deleterious"; PolyPhen-2: "Probably Damaging"; Align-GVGD: "Class C0"). This variant has not been reported in the literature in individuals affected with ANKRD1-related conditions. This variant is not present in population databases (gnomAD no frequency). This sequence change replaces glutamic acid, which is acidic and polar, with valine, which is neutral and non-polar, at codon 130 of the ANKRD1 protein (p.Glu130Val).

NM_014391.3(ANKRD1):c.389A>T (p.Glu130Val)

Gene: ANKRD1 (ankyrin repeat domain 1; minus strand). Cytogenetic location: 10q23.31.
Variant type: single nucleotide variant.
Coding change: c.389A>T on transcript NM_014391.3 (MANE Select); coding-DNA position 389, A replaced by T.
Protein change: p.Glu130Val; replaces glutamic acid 130 with valine.
Molecular consequence: missense variant.
Genome position (GRCh38, 1-based): chr10:90,918,929, T>A on the plus strand (A>T on the coding strand, the complement: ANKRD1 is on the minus strand). VCF-style: chr10-90918929-T-A. GRCh37 (hg19) VCF-style: chr10-92678686-T-A.
Other names: short protein forms E130V.
Identifiers: ClinVar variation 2198960 (VCV002198960.4), dbSNP rs1321608531, ClinGen allele CA377552296.